The following is an entry in ClinVar:

NM_000493.4(COL10A1):c.2014T>C (p.Phe672Leu)

Genes: COL10A1 (collagen type X alpha 1 chain; minus strand), NT5DC1 (5'-nucleotidase domain containing 1; plus strand). Cytogenetic location: 6q22.1.
Variant type: single nucleotide variant.
Coding change: c.2014T>C on transcript NM_000493.4 (MANE Select); coding-DNA position 2014, T replaced by C.
Protein change: p.Phe672Leu; replaces phenylalanine 672 with leucine.
Molecular consequence: missense variant. On other transcripts: intron variant (1).
Genome position (GRCh38, 1-based): chr6:116,120,102, A>G on the plus strand (T>C on the coding strand, the complement: COL10A1 is on the minus strand). VCF-style: chr6-116120102-A-G. GRCh37 (hg19) VCF-style: chr6-116441265-A-G.
Other names: c.2014T>C, p.Phe672Leu (NM_001424106.1, NM_001424107.1); c.529+2157A>G (NM_152729.3); short protein forms F672L.
Identifiers: ClinVar variation 3695247 (VCV003695247.2).
Genomic context (GRCh38, chr6:116,120,102, plus strand): 5'-AGCACAAGATTTAGATTAGCTCTGTGTGTACTCACATTGGAGCCACTAGGAATCCTGAGA[A>G]AGAGGAGTGGACATACTCAGAGGAGTATAGGCCATTTGACTCGGCATTGGGAAGCTGGAG-3'
Protein context (NP_000484.2, residues 662-680): LYSSEYVHSS[Phe672Leu]SGFLVAPM

ClinVar aggregate classification (germline): Uncertain significance (1 of 4 stars; one submission).

gnomAD v4.1: 2 of 1,614,008 alleles (0.00012%); highest among the groups gnomAD compares: Non-Finnish European, 0.00017%; no homozygotes.

Submission:

Labcorp Genetics (formerly Invitae), Labcorp
Classification: Uncertain significance. Last evaluated: 2024-12-12. Review status: criteria provided, single submitter. Criteria: Invitae Variant Classification Sherloc (09022015). Collection method: clinical testing. Allele origin: germline.
Comment: This sequence change replaces phenylalanine, which is neutral and non-polar, with leucine, which is neutral and non-polar, at codon 672 of the COL10A1 protein (p.Phe672Leu). This variant is not present in population databases (gnomAD no frequency). This variant has not been reported in the literature in individuals affected with COL10A1-related conditions. Invitae Evidence Modeling of protein sequence and biophysical properties (such as structural, functional, and spatial information, amino acid conservation, physicochemical variation, residue mobility, and thermodynamic stability) has been performed for this missense variant. However, the output from this modeling did not meet the statistical confidence thresholds required to predict the impact of this variant on COL10A1 protein function. In summary, the available evidence is currently insufficient to determine the role of this variant in disease. Therefore, it has been classified as a Variant of Uncertain Significance.